The following is an entry in ClinVar:

ClinVar aggregate classification (germline): Uncertain significance (1 of 4 stars; one submission).

Conditions:
Bardet-Biedl syndrome (BBS). Identifiers: Orphanet 110, MedGen C0752166, MONDO:0015229.

Submission:

Labcorp Genetics (formerly Invitae), Labcorp
Classification: Uncertain significance for Bardet-Biedl syndrome. Last evaluated: 2022-03-04. Review status: criteria provided, single submitter. Criteria: Invitae Variant Classification Sherloc (09022015). Collection method: clinical testing. Allele origin: germline.
Comment: This sequence change replaces arginine, which is basic and polar, with glycine, which is neutral and non-polar, at codon 28 of the BBS7 protein (p.Arg28Gly). This variant is not present in population databases (gnomAD no frequency). This variant has not been reported in the literature in individuals affected with BBS7-related conditions. Algorithms developed to predict the effect of missense changes on protein structure and function output the following: SIFT: "Tolerated"; PolyPhen-2: "Benign"; Align-GVGD: "Class C0". The glycine amino acid residue is found in multiple mammalian species, which suggests that this missense change does not adversely affect protein function. Algorithms developed to predict the effect of sequence changes on RNA splicing suggest that this variant may create or strengthen a splice site. In summary, the available evidence is currently insufficient to determine the role of this variant in disease. Therefore, it has been classified as a Variant of Uncertain Significance.

NM_176824.3(BBS7):c.82A>G (p.Arg28Gly)

Gene: BBS7 (Bardet-Biedl syndrome 7; minus strand). Cytogenetic location: 4q27.
Variant type: single nucleotide variant.
Coding change: c.82A>G on transcript NM_176824.3 (MANE Select); coding-DNA position 82, A replaced by G.
Protein change: p.Arg28Gly; replaces arginine 28 with glycine.
Molecular consequence: missense variant.
Genome position (GRCh38, 1-based): chr4:121,868,001, T>C on the plus strand (A>G on the coding strand, the complement: BBS7 is on the minus strand). VCF-style: chr4-121868001-T-C. GRCh37 (hg19) VCF-style: chr4-122789156-T-C.
Other names: c.82A>G, p.Arg28Gly (NM_018190.4); short protein forms R28G.
Identifiers: ClinVar variation 1485488 (VCV001485488.8), dbSNP rs2149094179, ClinGen allele CA358045935.